The following is an entry in ClinVar:

ClinVar aggregate classification (germline): Uncertain significance (1 of 4 stars; one submission).

Allele frequency attached by ClinVar (database versions not stated): gnomAD exomes 0.00003 and 0.00021; ExAC 0.00005; TOPMed 0.00006; gnomAD 0.00007; ESP Exome Variant Server 0.00008.
gnomAD v4.1: 312 of 1,614,016 alleles (0.019%); highest among the groups gnomAD compares: Non-Finnish European, 0.026%; no homozygotes.

Submission:

Labcorp Genetics (formerly Invitae), Labcorp
Classification: Uncertain significance. Last evaluated: 2022-11-21. Review status: criteria provided, single submitter. Criteria: Invitae Variant Classification Sherloc (09022015). Collection method: clinical testing. Allele origin: germline.
Comment: ClinVar contains an entry for this variant (Variation ID: 1057057). In summary, the available evidence is currently insufficient to determine the role of this variant in disease. Therefore, it has been classified as a Variant of Uncertain Significance. Experimental studies and prediction algorithms are not available or were not evaluated, and the functional significance of this variant is currently unknown. This variant has not been reported in the literature in individuals affected with ARMC9-related conditions. This variant is present in population databases (rs377378221, gnomAD 0.006%). This sequence change replaces alanine, which is neutral and non-polar, with valine, which is neutral and non-polar, at codon 392 of the ARMC9 protein (p.Ala392Val).

NM_001352754.2(ARMC9):c.1175C>T (p.Ala392Val)

Gene: ARMC9 (armadillo repeat containing 9; plus strand). Cytogenetic location: 2q37.1.
Variant type: single nucleotide variant.
Coding change: c.1175C>T on transcript NM_001352754.2 (MANE Select); coding-DNA position 1175, C replaced by T.
Protein change: p.Ala392Val; replaces alanine 392 with valine.
Molecular consequence: missense variant. On other transcripts: non-coding transcript variant (1).
Genome position (GRCh38, 1-based): chr2:231,271,037, C>T. VCF-style: chr2-231271037-C-T. GRCh37 (hg19) VCF-style: chr2-232135750-C-T.
Other names: c.1175C>T, p.Ala392Val (NM_001271466.4, NM_001291656.2, NM_001352755.2 and 3 more transcripts); c.1076C>T, p.Ala359Val (NM_001352757.2, NM_001352758.2); short protein forms A359V, A392V.
Identifiers: ClinVar variation 1057057 (VCV001057057.8), dbSNP rs377378221, ClinGen allele CA2160221.
Genomic context (GRCh38, chr2:231,271,037, plus strand): 5'-CCCAGAGGAGTGTGCTTCAGTTGCTGCACTCCACGAGCGACGTGGTGCGGCAGTACATGG[C>T]CAGGCTCATCAATGCTTTTGCGTCACTGGCAGAAGGTGAGACATCAGCTTTGCTTCAAAG-3'
Protein context (NP_001339683.2, residues 382-402): STSDVVRQYM[Ala392Val]RLINAFASLA